The following is an entry in ClinVar:

NM_001378454.1(ALMS1):c.10106G>A (p.Gly3369Glu)

Gene: ALMS1 (ALMS1 centrosome and basal body associated protein; plus strand). Cytogenetic location: 2p13.1.
Variant type: single nucleotide variant.
Coding change: c.10106G>A on transcript NM_001378454.1 (MANE Select); coding-DNA position 10106, G replaced by A.
Protein change: p.Gly3369Glu; replaces glycine 3369 with glutamic acid.
Molecular consequence: missense variant.
Genome position (GRCh38, 1-based): chr2:73,557,247, G>A. VCF-style: chr2-73557247-G-A. GRCh37 (hg19) VCF-style: chr2-73784374-G-A.
Other names: c.10109G>A, p.Gly3370Glu (NM_015120.4); short protein forms G3370E, G3369E.
Identifiers: ClinVar variation 1506264 (VCV001506264.6), dbSNP rs2104057922, ClinGen allele CA347276249.
Genomic context (GRCh38, chr2:73,557,247, plus strand): 5'-CTTTTCTGAAATCAAATGATGTCGTTATTCCAGATGCCTCAGTTCAAGTGCTAATCACTG[G>A]GGATGAGAACCTCTCAGACAAAAAACAGCAAGAGATTCACAGTACAAGGGCAGTGACTGA-3'
Protein context (NP_001365383.1, residues 3359-3379): ADASVQVLIT[Gly3369Glu]DENLSDKKQQ

ClinVar aggregate classification (germline): Uncertain significance (1 of 4 stars; one submission).

Conditions:
Alstrom syndrome (ALMS). Identifiers: Orphanet 64, MedGen C0268425, MONDO:0008763, OMIM 203800.

Submission:

Labcorp Genetics (formerly Invitae), Labcorp
Classification: Uncertain significance for Alstrom syndrome. Last evaluated: 2021-11-28. Review status: criteria provided, single submitter. Criteria: Invitae Variant Classification Sherloc (09022015). Collection method: clinical testing. Allele origin: germline.
Comment: This sequence change replaces glycine, which is neutral and non-polar, with glutamic acid, which is acidic and polar, at codon 3370 of the ALMS1 protein (p.Gly3370Glu). In summary, the available evidence is currently insufficient to determine the role of this variant in disease. Therefore, it has been classified as a Variant of Uncertain Significance. Experimental studies and prediction algorithms are not available or were not evaluated, and the functional significance of this variant is currently unknown. This variant has not been reported in the literature in individuals affected with ALMS1-related conditions. This variant is not present in population databases (gnomAD no frequency).